The following is an entry in ClinVar:

NM_006059.4(LAMC3):c.364C>T (p.Leu122Phe)

Gene: LAMC3 (laminin subunit gamma 3; plus strand). Cytogenetic location: 9q34.12.
Variant type: single nucleotide variant.
Coding change: c.364C>T on transcript NM_006059.4 (MANE Select); coding-DNA position 364, C replaced by T.
Protein change: p.Leu122Phe; replaces leucine 122 with phenylalanine.
Molecular consequence: missense variant.
Genome position (GRCh38, 1-based): chr9:131,009,578, C>T. VCF-style: chr9-131009578-C-T. GRCh37 (hg19) VCF-style: chr9-133884965-C-T.
Other names: short protein forms L122F.
Identifiers: ClinVar variation 1350583 (VCV001350583.8), dbSNP rs763270039, ClinGen allele CA375250953.

ClinVar aggregate classification (germline): Uncertain significance (1 of 4 stars; one submission).

gnomAD v4.1: 1 of 1,572,746 alleles (0.000064%); highest among the groups gnomAD compares: Non-Finnish European, 0.000086%; no homozygotes.

Submission:

Labcorp Genetics (formerly Invitae), Labcorp
Classification: Uncertain significance. Last evaluated: 2022-03-20. Review status: criteria provided, single submitter. Criteria: Invitae Variant Classification Sherloc (09022015). Collection method: clinical testing. Allele origin: germline.
Comment: This sequence change replaces leucine, which is neutral and non-polar, with phenylalanine, which is neutral and non-polar, at codon 122 of the LAMC3 protein (p.Leu122Phe). This variant is not present in population databases (gnomAD no frequency). This variant has not been reported in the literature in individuals affected with LAMC3-related conditions. Algorithms developed to predict the effect of missense changes on protein structure and function are either unavailable or do not agree on the potential impact of this missense change (SIFT: "Deleterious"; PolyPhen-2: "Probably Damaging"; Align-GVGD: "Class C0"). In summary, the available evidence is currently insufficient to determine the role of this variant in disease. Therefore, it has been classified as a Variant of Uncertain Significance.